The following is an entry in ClinVar:

ClinVar aggregate classification (germline): Likely benign (1 of 4 stars; one submission).

Allele frequency attached by ClinVar (database versions not stated): gnomAD exomes below 0.00001.
gnomAD v4.1: 4 of 1,305,094 alleles (0.00031%); highest among the groups gnomAD compares: Non-Finnish European, 0.00029%; no homozygotes.

Submission:

GeneDx
Classification: Likely benign. Last evaluated: 2017-04-07. Review status: criteria provided, single submitter. Criteria: GeneDx Variant Classification (06012015). Collection method: clinical testing. Allele origin: germline. Affected: yes.
Comment: This variant is considered likely benign or benign based on one or more of the following criteria: it is a conservative change, it occurs at a poorly conserved position in the protein, it is predicted to be benign by multiple in silico algorithms, and/or has population frequency not consistent with disease.

NM_024537.4(CARS2):c.-7C>A

Genes: CARS2 (cysteinyl-tRNA synthetase 2, mitochondrial; minus strand), LOC130010127 (ATAC-STARR-seq lymphoblastoid silent region 5509; plus strand). Cytogenetic location: 13q34.
Variant type: single nucleotide variant.
Coding change: c.-7C>A on transcript NM_024537.4 (MANE Select); 7 bases upstream of the start codon, C replaced by A.
Molecular consequence: 5 prime UTR variant. On other transcripts: non-coding transcript variant (1), intron variant (1).
Genome position (GRCh38, 1-based): chr13:110,706,100, G>T on the plus strand (C>A on the coding strand, the complement: CARS2 is on the minus strand). VCF-style: chr13-110706100-G-T. GRCh37 (hg19) VCF-style: chr13-111358447-G-T.
Other names: c.-7C>A (NM_001352253.3); c.-776+271C>A (NM_001352252.2).
Identifiers: ClinVar variation 508519 (VCV000508519.1), dbSNP rs1179712914, ClinGen allele CA658798038.